The following is an entry in ClinVar:

NM_004836.7(EIF2AK3):c.1873C>G (p.Arg625Gly)

Gene: EIF2AK3 (eukaryotic translation initiation factor 2 alpha kinase 3; minus strand). Cytogenetic location: 2p11.2.
Variant type: single nucleotide variant.
Coding change: c.1873C>G on transcript NM_004836.7 (MANE Select); coding-DNA position 1873, C replaced by G.
Protein change: p.Arg625Gly; replaces arginine 625 with glycine.
Molecular consequence: missense variant.
Genome position (GRCh38, 1-based): chr2:88,579,531, G>C on the plus strand (C>G on the coding strand, the complement: EIF2AK3 is on the minus strand). VCF-style: chr2-88579531-G-C. GRCh37 (hg19) VCF-style: chr2-88879049-G-C.
Other names: c.1420C>G, p.Arg474Gly (NM_001313915.2); short protein forms R625G, R474G.
Identifiers: ClinVar variation 1368071 (VCV001368071.7), dbSNP rs770192517, ClinGen allele CA1754586.
Genomic context (GRCh38, chr2:88,579,531, plus strand): 5'-GATCACACTGTGCTGATTTCAAGTTTACTGAAGGTACCACCCATTACCTATTGGGGAGAC[G>C]GATCCTCTTGATAGCATAATTGCAGTCATCTACTTTGTTTTTAGCTTCAAAAACAACTCC-3'
Protein context (NP_004827.4, residues 615-635): DDCNYAIKRI[Arg625Gly]LPNRELAREK

ClinVar aggregate classification (germline): Uncertain significance. Review status: criteria provided, multiple submitters, no conflicts (2 of 4 stars). 2 submissions from 2 submitters: Uncertain significance (2). Last evaluated 2024-06-11.

Conditions:
Wolcott-Rallison dysplasia. Also called: MED-IDDM SYNDROME; Wolcott-Rallison syndrome. Identifiers: Orphanet 1667, MedGen C0432217, MONDO:0009192, OMIM 226980.

gnomAD v4.1: 3 of 1,613,660 alleles (0.00019%); highest among the groups gnomAD compares: Admixed American, 0.0017%; no homozygotes.

Submissions (2):

Fulgent Genetics
Classification: Uncertain significance for Wolcott-Rallison dysplasia. Last evaluated: 2024-06-11. Review status: criteria provided, single submitter. Criteria: ACMG Guidelines, 2015. Collection method: clinical testing. Allele origin: germline.

Labcorp Genetics (formerly Invitae), Labcorp
Classification: Uncertain significance. Last evaluated: 2023-01-26. Review status: criteria provided, single submitter. Criteria: Invitae Variant Classification Sherloc (09022015). Collection method: clinical testing. Allele origin: germline.
Comment: This variant has not been reported in the literature in individuals affected with EIF2AK3-related conditions. In summary, the available evidence is currently insufficient to determine the role of this variant in disease. Therefore, it has been classified as a Variant of Uncertain Significance. Algorithms developed to predict the effect of missense changes on protein structure and function (SIFT, PolyPhen-2, Align-GVGD) all suggest that this variant is likely to be tolerated. ClinVar contains an entry for this variant (Variation ID: 1368071). This variant is present in population databases (rs770192517, gnomAD 0.003%). This sequence change replaces arginine, which is basic and polar, with glycine, which is neutral and non-polar, at codon 625 of the EIF2AK3 protein (p.Arg625Gly).